The following is an entry in ClinVar:

NM_000384.3(APOB):c.10222G>A (p.Gly3408Ser)

Gene: APOB (apolipoprotein B; minus strand). Cytogenetic location: 2p24.1.
Variant type: single nucleotide variant.
Coding change: c.10222G>A on transcript NM_000384.3 (MANE Select); coding-DNA position 10222, G replaced by A.
Protein change: p.Gly3408Ser; replaces glycine 3408 with serine.
Molecular consequence: missense variant.
Genome position (GRCh38, 1-based): chr2:21,006,646, C>T on the plus strand (G>A on the coding strand, the complement: APOB is on the minus strand). VCF-style: chr2-21006646-C-T. GRCh37 (hg19) VCF-style: chr2-21229518-C-T.
Other names: short protein forms G3408S.
Identifiers: ClinVar variation 4789854 (VCV004789854.2), dbSNP rs1483982340.

ClinVar aggregate classification (germline): Uncertain significance. Review status: criteria provided, multiple submitters, no conflicts (2 of 4 stars). 2 submissions from 2 submitters: Uncertain significance (2). Last evaluated 2026-01-26.

Conditions:
Familial hypobetalipoproteinemia 1. Also called: APOB-Related Familial Hypobetalipoproteinemia; Hypobetalipoproteinemia, normotriglyceridemic; Acanthocytosis with hypobetalipoproteinemia. Identifiers: MedGen C4551990, MONDO:0014252, OMIM 615558.
Hypercholesterolemia, autosomal dominant, type B (FHCL2). Also called: APOB-Related Familial Hypercholesterolemia, Autosomal Dominant; Familial hypercholesterolemia 2; Familial Hypercholesterolemia Type B; APOLIPOPROTEIN B-100, FAMILIAL DEFECTIVE; APOLIPOPROTEIN B-100, FAMILIAL LIGAND-DEFECTIVE; HYPERCHOLESTEROLEMIA, FAMILIAL, DUE TO LIGAND-DEFECTIVE APOLIPOPROTEIN B. Identifiers: MedGen C1704417, MONDO:0007751, OMIM 144010.
Cardiovascular phenotype. Identifiers: MedGen CN230736.

Allele frequency attached by ClinVar (database versions not stated): gnomAD exomes below 0.00001; gnomAD 0.00001; TOPMed 0.00001.
gnomAD v4.1: 6 of 1,614,058 alleles (0.00037%); highest among the groups gnomAD compares: South Asian, 0.0011%; no homozygotes.

Submissions (2):

Ambry Genetics
Classification: Uncertain significance for Cardiovascular phenotype. Last evaluated: 2026-01-26. Review status: criteria provided, single submitter. Criteria: Ambry Variant Classification Scheme 2023. Collection method: clinical testing. Allele origin: germline.

Labcorp Genetics (formerly Invitae), Labcorp
Classification: Uncertain significance for Familial hypobetalipoproteinemia 1; Hypercholesterolemia, autosomal dominant, type B. Last evaluated: 2025-04-27. Review status: criteria provided, single submitter. Criteria: Invitae Variant Classification Sherloc (09022015). Collection method: clinical testing. Allele origin: germline.
Comment: This sequence change replaces glycine, which is neutral and non-polar, with serine, which is neutral and polar, at codon 3408 of the APOB protein (p.Gly3408Ser). This variant is present in population databases (no rsID available, gnomAD 0.0009%). This variant has not been reported in the literature in individuals affected with APOB-related conditions. Invitae Evidence Modeling of protein sequence and biophysical properties (such as structural, functional, and spatial information, amino acid conservation, physicochemical variation, residue mobility, and thermodynamic stability) indicates that this missense variant is not expected to disrupt APOB protein function with a negative predictive value of 95%. In summary, the available evidence is currently insufficient to determine the role of this variant in disease. Therefore, it has been classified as a Variant of Uncertain Significance.